The following is an entry in ClinVar:

ClinVar aggregate classification (germline): Pathogenic (1 of 4 stars; one submission).

Conditions:
Primary ciliary dyskinesia 3. Identifiers: Orphanet 244, MedGen C1837618, MONDO:0012085, OMIM 608644.

Submission:

Myriad Genetics, Inc.
Classification: Pathogenic for Primary ciliary dyskinesia 3. Last evaluated: 2026-06-05. Review status: criteria provided, single submitter. Criteria: Myriad Autosomal Dominant, Autosomal Recessive and X-Linked Classification Criteria (2023). Collection method: clinical testing. Allele origin: unknown.
Comment: NM_001369.2(DNAH5):c.13291dupG(A4431Gfs*7) is expected to be pathogenic in the context of primary ciliary dyskinesia, DNAH5-related. This variant is predicted to lead to an abnormal or absent protein product due to the creation of a premature termination codon in DNAH5, a gene where loss-of-function variants are known to be pathogenic. Please note: this variant was assessed in the context of healthy population screening.

NM_001369.3(DNAH5):c.13291dup (p.Ala4431fs)

Gene: DNAH5 (dynein axonemal heavy chain 5; minus strand). Cytogenetic location: 5p15.2.
Variant type: Duplication.
Coding change: c.13291dup on transcript NM_001369.3 (MANE Select); coding-DNA position 13291, one base duplicated (G; older notation c.13291dupG).
Protein change: p.Ala4431fs; shifts the reading frame from alanine 4431.
Molecular consequence: frameshift variant.
Genome position (GRCh38, 1-based): chr5:13,708,170, C duplicated on the plus strand (G on the coding strand, the reverse complement: DNAH5 is on the minus strand). VCF-style (leftmost placement, unchanged base first): chr5-13708169-G-GC. GRCh37 (hg19) VCF-style: chr5-13708278-G-GC.
Other names: short protein forms A4431fs.
Identifiers: ClinVar variation 5015995 (VCV005015995.1).